The following is an entry in ClinVar:

ClinVar aggregate classification (germline): Uncertain significance (1 of 4 stars; one submission).

Conditions:
Ichthyosis vulgaris. Also called: ICHTHYOSIS SIMPLEX; Dominant ichthyosis vulgaris. Identifiers: MedGen C0079584, MONDO:0024304, OMIM 146700.
Dermatitis, atopic, 2. Identifiers: MedGen C1853965, MONDO:0011596, OMIM 605803.

Submission:

Juno Genomics, Hangzhou Juno Genomics, Inc
Classification: Uncertain significance for Dermatitis, atopic, 2; Ichthyosis vulgaris. Review status: criteria provided, single submitter. Criteria: ACMG Guidelines, 2015. Collection method: clinical testing. Allele origin: germline.
Comment: Absent from controls (or at extremely low frequency if recessive) in Genome Aggregation Database.;Null variant in a gene where loss of function (LOF) is a known mechanism of disease.

NM_002016.2(FLG):c.10164C>A (p.Tyr3388Ter)

Genes: CCDST (cervical cancer associated DHX9 suppressive transcript; plus strand), FLG (filaggrin; minus strand). Cytogenetic location: 1q21.3.
Variant type: single nucleotide variant.
Coding change: c.10164C>A on transcript NM_002016.2 (MANE Select); coding-DNA position 10164, C replaced by A.
Protein change: p.Tyr3388Ter; replaces tyrosine 3388 with a stop codon.
Molecular consequence: nonsense.
Genome position (GRCh38, 1-based): chr1:152,304,722, G>T on the plus strand (C>A on the coding strand, the complement: FLG is on the minus strand). VCF-style: chr1-152304722-G-T. GRCh37 (hg19) VCF-style: chr1-152277198-G-T.
Other names: short protein forms Y3388*.
Identifiers: ClinVar variation 5019469 (VCV005019469.2).